The following is an entry in ClinVar:

NM_001011658.4(TRAPPC2):c.320dup (p.Phe109fs)

Genes: OFD1 (OFD1 centriole and centriolar satellite protein; plus strand), TRAPPC2 (trafficking protein particle complex subunit 2; minus strand). Cytogenetic location: Xp22.2.
Variant type: Duplication.
Coding change: c.320dup on transcript NM_001011658.4 (MANE Select); coding-DNA position 320, one base duplicated (T; older notation c.320dupT).
Protein change: p.Phe109fs; shifts the reading frame from phenylalanine 109.
Molecular consequence: frameshift variant.
Genome position (GRCh38, 1-based): chrX:13,716,008, A duplicated on the plus strand (T on the coding strand, the reverse complement: TRAPPC2 is on the minus strand). VCF-style (leftmost placement, unchanged base first): chrX-13716007-T-TA. GRCh37 (hg19) VCF-style: chrX-13734126-T-TA.
Other names: c.320dup, p.Phe109fs (NM_014563.6); c.422dup, p.Phe143fs (NM_001128835.3); short protein forms F109fs, F143fs.
Identifiers: ClinVar variation 2737081 (VCV002737081.3), dbSNP rs2518613150, ClinGen allele CA2695231137.

ClinVar aggregate classification (germline): Pathogenic (1 of 4 stars; one submission).

Submission:

Labcorp Genetics (formerly Invitae), Labcorp
Classification: Pathogenic. Last evaluated: 2023-08-30. Review status: criteria provided, single submitter. Criteria: Invitae Variant Classification Sherloc (09022015). Collection method: clinical testing. Allele origin: germline.
Comment: For these reasons, this variant has been classified as Pathogenic. This variant disrupts a region of the TRAPPC2 protein in which other variant(s) (p.Ser124Lysfs*4) have been determined to be pathogenic (PMID: 11443194). This suggests that this is a clinically significant region of the protein, and that variants that disrupt it are likely to be disease-causing. This premature translational stop signal has been observed in individual(s) with spondyloepiphyseal dysplasia tarda (PMID: 11349230). This variant is not present in population databases (gnomAD no frequency). This sequence change creates a premature translational stop signal (p.Phe109Valfs*8) in the TRAPPC2 gene. While this is not anticipated to result in nonsense mediated decay, it is expected to disrupt the last 32 amino acid(s) of the TRAPPC2 protein.

Literature cited by the submitters: PubMed 11443194; PubMed 11349230.